The following is an entry in ClinVar:

ClinVar aggregate classification (germline): Uncertain significance (1 of 4 stars; one submission).

Submission:

Labcorp Genetics (formerly Invitae), Labcorp
Classification: Uncertain significance. Last evaluated: 2022-03-09. Review status: criteria provided, single submitter. Criteria: Invitae Variant Classification Sherloc (09022015). Collection method: clinical testing. Allele origin: germline.
Comment: In summary, the available evidence is currently insufficient to determine the role of this variant in disease. Therefore, it has been classified as a Variant of Uncertain Significance. Algorithms developed to predict the effect of missense changes on protein structure and function are either unavailable or do not agree on the potential impact of this missense change (SIFT: "Deleterious"; PolyPhen-2: "Probably Damaging"; Align-GVGD: "Class C0"). This variant has not been reported in the literature in individuals affected with TPRN-related conditions. The frequency data for this variant in the population databases is considered unreliable, as metrics indicate insufficient coverage at this position in the gnomAD database. This sequence change replaces asparagine, which is neutral and polar, with threonine, which is neutral and polar, at codon 203 of the TPRN protein (p.Asn203Thr).

NM_001128228.3(TPRN):c.608A>C (p.Asn203Thr)

Gene: TPRN (taperin; minus strand). Cytogenetic location: 9q34.3.
Variant type: single nucleotide variant.
Coding change: c.608A>C on transcript NM_001128228.3 (MANE Select); coding-DNA position 608, A replaced by C.
Protein change: p.Asn203Thr; replaces asparagine 203 with threonine.
Molecular consequence: missense variant.
Genome position (GRCh38, 1-based): chr9:137,200,104, T>G on the plus strand (A>C on the coding strand, the complement: TPRN is on the minus strand). VCF-style: chr9-137200104-T-G. GRCh37 (hg19) VCF-style: chr9-140094556-T-G.
Other names: short protein forms N203T.
Identifiers: ClinVar variation 2036147 (VCV002036147.4), dbSNP rs1834780663, ClinGen allele CA375780780.